The following is an entry in ClinVar:

ClinVar aggregate classification (germline): Likely pathogenic (1 of 4 stars; one submission).

Conditions:
Primary ciliary dyskinesia. Also called: Ciliary dyskinesia. Identifiers: Orphanet 244, MedGen C0008780, MONDO:0016575, HP:0012265.

Submission:

Natera, Inc.
Classification: Likely pathogenic for Primary ciliary dyskinesia. Last evaluated: 2025-08-29. Review status: criteria provided, single submitter. Criteria: Natera Variant Classification Schema (03/2026). Collection method: clinical testing. Allele origin: germline.
Comment: The c.2591del variant in DNAH5 is a frameshift variant predicted to shift the reading frame beginning at codon 864 and leads to a stop codon 12 codons downstream. This variant is expected to result in nonsense mediated decay, truncation, or a dysfunctional protein product. This variant is rare in the general population with a frequency below the threshold expected for the associated phenotype(s). Given the available evidence, this variant is classified as Likely Pathogenic.

NM_001369.3(DNAH5):c.2591del (p.Asn864fs)

Genes: DNAH5 (dynein axonemal heavy chain 5; minus strand), DNAH5-AS1 (DNAH5 antisense RNA 1; plus strand). Cytogenetic location: 5p15.2.
Variant type: Deletion.
Coding change: c.2591del on transcript NM_001369.3 (MANE Select); coding-DNA position 2591, one base deleted (A; older notation c.2591delA).
Protein change: p.Asn864fs; shifts the reading frame from asparagine 864.
Molecular consequence: frameshift variant.
Genome position (GRCh38, 1-based): chr5:13,886,116, T deleted on the plus strand (A on the coding strand, the reverse complement: DNAH5 is on the minus strand); the first of 3 consecutive T bases (chr5:13,886,116-13,886,118); deleting any one gives the same sequence. VCF-style (leftmost placement, unchanged base first): chr5-13886115-AT-A. GRCh37 (hg19) VCF-style: chr5-13886224-AT-A.
Other names: short protein forms N864fs.
Identifiers: ClinVar variation 4814876 (VCV004814876.2).